The following is an entry in ClinVar:

ClinVar aggregate classification (germline): Uncertain significance (1 of 4 stars; one submission).

Submission:

GeneDx
Classification: Uncertain significance. Last evaluated: 2026-08-15. Review status: criteria provided, single submitter. Criteria: GeneDx Variant Classification Process June 2021. Collection method: clinical testing. Allele origin: germline.
Comment: Not observed at significant frequency in large population cohorts (gnomAD); In silico analysis supports that this missense variant has a deleterious effect on protein structure/function; Has not been previously published as pathogenic or benign to our knowledge

NM_014727.3(KMT2B):c.3229C>G (p.Arg1077Gly)

Gene: KMT2B (lysine methyltransferase 2B; plus strand). Cytogenetic location: 19q13.12.
Variant type: single nucleotide variant.
Coding change: c.3229C>G on transcript NM_014727.3 (MANE Select); coding-DNA position 3229, C replaced by G.
Protein change: p.Arg1077Gly; replaces arginine 1077 with glycine.
Molecular consequence: missense variant.
Genome position (GRCh38, 1-based): chr19:35,723,902, C>G. VCF-style: chr19-35723902-C-G. GRCh37 (hg19) VCF-style: chr19-36214803-C-G.
Other names: short protein forms R1077G.
Identifiers: ClinVar variation 3343158 (VCV003343158.2).